The following is an entry in ClinVar:

NM_001999.4(FBN2):c.8413A>T (p.Met2805Leu)

Gene: FBN2 (fibrillin 2; minus strand). Cytogenetic location: 5q23.3.
Variant type: single nucleotide variant.
Coding change: c.8413A>T on transcript NM_001999.4 (MANE Select); coding-DNA position 8413, A replaced by T.
Protein change: p.Met2805Leu; replaces methionine 2805 with leucine.
Molecular consequence: missense variant.
Genome position (GRCh38, 1-based): chr5:128,259,781, T>A on the plus strand (A>T on the coding strand, the complement: FBN2 is on the minus strand). VCF-style: chr5-128259781-T-A. GRCh37 (hg19) VCF-style: chr5-127595473-T-A.
Other names: short protein forms M2805L.
Identifiers: ClinVar variation 1900639 (VCV001900639.5), dbSNP rs776610785, ClinGen allele CA127002191.
Genomic context (GRCh38, chr5:128,259,781, plus strand): 5'-TGGCGGGCCTTAGTTCCAGGATGTGCTCCTTAGAGCCGAGGTGGGAGAGGTTGAACTTCA[T>A]GTTGACGGGGCTGTCCATGTCGACACTCTCTAGGCTGATCTGTTCAACCTGGAGGAAGAA-3'
Protein context (NP_001990.2, residues 2795-2815): ESVDMDSPVN[Met2805Leu]KFNLSHLGSK

ClinVar aggregate classification (germline): Uncertain significance (1 of 4 stars; one submission).

Conditions:
Congenital contractural arachnodactyly (CCA). Also called: Arthrogryposis, distal, type 9; BEALS SYNDROME; Beals-Hecht syndrome. Identifiers: Orphanet 115, MedGen C0220668, MONDO:0007363, OMIM 121050.

gnomAD v4.1: 1 of 1,613,780 alleles (0.000062%); highest among the groups gnomAD compares: Admixed American, 0.0017%; no homozygotes.

Submission:

Labcorp Genetics (formerly Invitae), Labcorp
Classification: Uncertain significance for Congenital contractural arachnodactyly. Last evaluated: 2025-05-05. Review status: criteria provided, single submitter. Criteria: Invitae Variant Classification Sherloc (09022015). Collection method: clinical testing. Allele origin: germline.
Comment: This sequence change replaces methionine, which is neutral and non-polar, with leucine, which is neutral and non-polar, at codon 2805 of the FBN2 protein (p.Met2805Leu). This variant is not present in population databases (gnomAD no frequency). This variant has not been reported in the literature in individuals affected with FBN2-related conditions. ClinVar contains an entry for this variant (Variation ID: 1900639). Invitae Evidence Modeling of protein sequence and biophysical properties (such as structural, functional, and spatial information, amino acid conservation, physicochemical variation, residue mobility, and thermodynamic stability) indicates that this missense variant is not expected to disrupt FBN2 protein function with a negative predictive value of 80%. In summary, the available evidence is currently insufficient to determine the role of this variant in disease. Therefore, it has been classified as a Variant of Uncertain Significance.